The following is an entry in ClinVar:

ClinVar aggregate classification (germline): Likely pathogenic (1 of 4 stars; one submission).

Conditions:
POLR1C-related disorder. Also called: POLR1C-related disorders; POLR1C-related condition. Identifiers: MedGen CN239394, MONDO:0700278.

Submission:

PreventionGenetics, part of Exact Sciences
Classification: Likely pathogenic for POLR1C-related condition. Last evaluated: 2026-08-04. Review status: criteria provided, single submitter. Criteria: ACMG Guidelines, 2015. Collection method: clinical testing. Allele origin: germline.
Comment: The POLR1C c.82delG variant is predicted to result in a frameshift and premature protein termination (p.Asp28Thrfs*26). To our knowledge, this variant has not been reported in the literature. This variant is reported in 0.0015% of alleles in individuals of European (Non-Finnish) descent in gnomAD. Frameshift variants in POLR1C are expected to be pathogenic. This variant is interpreted as likely pathogenic.

NM_203290.4(POLR1C):c.82del (p.Asp28fs)

Gene: POLR1C (RNA polymerase I and III subunit C; plus strand). Cytogenetic location: 6p21.1.
Variant type: Deletion.
Coding change: c.82del on transcript NM_203290.4 (MANE Select); coding-DNA position 82, one base deleted (G; older notation c.82delG).
Protein change: p.Asp28fs; shifts the reading frame from aspartic acid 28.
Molecular consequence: frameshift variant.
Genome position (GRCh38, 1-based): chr6:43,517,318, G deleted. VCF-style (leftmost placement, unchanged base first): chr6-43517317-TG-T. GRCh37 (hg19) VCF-style: chr6-43485055-TG-T.
Other names: c.82del, p.Asp28fs (NM_001318876.2, NM_001363658.2); short protein forms D28fs.
Identifiers: ClinVar variation 5000786 (VCV005000786.1).